The following is an entry in ClinVar:

ClinVar aggregate classification (germline): Uncertain significance (1 of 4 stars; one submission).

Allele frequency attached by ClinVar (database versions not stated): TOPMed below 0.00001; ExAC 0.00005; ESP Exome Variant Server 0.00022.

Submission:

Labcorp Genetics (formerly Invitae), Labcorp
Classification: Uncertain significance. Last evaluated: 2022-02-04. Review status: criteria provided, single submitter. Criteria: Invitae Variant Classification Sherloc (09022015). Collection method: clinical testing. Allele origin: germline.
Comment: This sequence change replaces glycine, which is neutral and non-polar, with valine, which is neutral and non-polar, at codon 378 of the DTHD1 protein (p.Gly378Val). In summary, the available evidence is currently insufficient to determine the role of this variant in disease. Therefore, it has been classified as a Variant of Uncertain Significance. Algorithms developed to predict the effect of missense changes on protein structure and function are either unavailable or do not agree on the potential impact of this missense change (SIFT: "Deleterious"; PolyPhen-2: "Possibly Damaging"; Align-GVGD: "Class C15"). This variant has not been reported in the literature in individuals affected with DTHD1-related conditions. This variant is present in population databases (rs201839505, gnomAD 0.002%).

NM_001170700.3(DTHD1):c.2003G>T (p.Gly668Val)

Gene: DTHD1 (death domain containing 1; plus strand). Cytogenetic location: 4p14.
Variant type: single nucleotide variant.
Coding change: c.2003G>T on transcript NM_001170700.3 (MANE Select); coding-DNA position 2003, G replaced by T.
Protein change: p.Gly668Val; replaces glycine 668 with valine.
Molecular consequence: missense variant. On other transcripts: non-coding transcript variant (2).
Genome position (GRCh38, 1-based): chr4:36,308,401, G>T. VCF-style: chr4-36308401-G-T. GRCh37 (hg19) VCF-style: chr4-36310023-G-T.
Other names: c.1133G>T, p.Gly378Val (NM_001136536.5); c.1070G>T, p.Gly357Val (NM_001378435.1); short protein forms G357V, G378V, G668V.
Identifiers: ClinVar variation 1517523 (VCV001517523.8), dbSNP rs201839505, ClinGen allele CA2885693.